The following is an entry in ClinVar:

NM_022124.6(CDH23):c.1891C>T (p.Gln631Ter)

Gene: CDH23 (cadherin related 23; plus strand). Cytogenetic location: 10q22.1.
Variant type: single nucleotide variant.
Coding change: c.1891C>T on transcript NM_022124.6 (MANE Select); coding-DNA position 1891, C replaced by T.
Protein change: p.Gln631Ter; replaces glutamine 631 with a stop codon.
Molecular consequence: nonsense.
Genome position (GRCh38, 1-based): chr10:71,682,477, C>T. VCF-style: chr10-71682477-C-T. GRCh37 (hg19) VCF-style: chr10-73442234-C-T.
Other names: c.1891C>T, p.Gln631Ter (NM_001171930.2, NM_001171931.2); c.1891C>T (NM_022124.5); short protein forms Q631*.
Identifiers: ClinVar variation 2017022 (VCV002017022.6), dbSNP rs2493960671, ClinGen allele CA377132310.

ClinVar aggregate classification (germline): Pathogenic/Likely pathogenic. Review status: criteria provided, multiple submitters, no conflicts (2 of 4 stars). 3 submissions from 3 submitters: Pathogenic (1); Likely pathogenic (2). Last evaluated 2024-11-27.

Conditions:
Pituitary adenoma 5, multiple types. Identifiers: MedGen C4539685, MONDO:0054601, OMIM 617540.
Usher syndrome type 1 (USH1). Also called: RETINITIS PIGMENTOSA AND CONGENITAL DEAFNESS. Identifiers: Orphanet 231169, Orphanet 886, MedGen C1568247, MONDO:0010168, OMIM 276900.

Submissions (3):

Natera, Inc.
Classification: Likely pathogenic for Usher syndrome type 1. Last evaluated: 2024-11-27. Review status: criteria provided, single submitter. Criteria: Natera Variant Classification Schema (03/2026). Collection method: clinical testing. Allele origin: germline.
Comment: The c.1891C>T variant in CDH23 is a nonsense variant predicted to introduce a stop codon at amino acid 631. This variant is expected to result in nonsense mediated decay, truncation, or a dysfunctional protein product. This variant is rare in the general population with a frequency below the threshold expected for the associated phenotype(s). Given the available evidence, this variant is classified as Likely Pathogenic.

Baylor Genetics
Classification: Likely pathogenic for Pituitary adenoma 5, multiple types. Last evaluated: 2023-08-31. Review status: criteria provided, single submitter. Criteria: ACMG Guidelines, 2015. Collection method: clinical testing. Allele origin: unknown.

Labcorp Genetics (formerly Invitae), Labcorp
Classification: Pathogenic. Last evaluated: 2023-05-11. Review status: criteria provided, single submitter. Criteria: Invitae Variant Classification Sherloc (09022015). Collection method: clinical testing. Allele origin: germline.
Comment: For these reasons, this variant has been classified as Pathogenic. ClinVar contains an entry for this variant (Variation ID: 2017022). This variant has not been reported in the literature in individuals affected with CDH23-related conditions. This variant is not present in population databases (gnomAD no frequency). This sequence change creates a premature translational stop signal (p.Gln631*) in the CDH23 gene. It is expected to result in an absent or disrupted protein product. Loss-of-function variants in CDH23 are known to be pathogenic (PMID: 11138009, 21940737).

Literature cited by the submitters: PubMed 11138009 (cited by Labcorp Genetics (formerly Invitae), Labcorp); PubMed 21940737 (cited by Labcorp Genetics (formerly Invitae), Labcorp).